The following is an entry in ClinVar:

NM_014639.4(SKIC3):c.3092+6C>T

Gene: SKIC3 (SKI3 subunit of superkiller complex; minus strand). Cytogenetic location: 5q15.
Variant type: single nucleotide variant.
Coding change: c.3092+6C>T on transcript NM_014639.4 (MANE Select); 6 bases into the intron after coding-DNA position 3092, C replaced by T.
Molecular consequence: intron variant.
Genome position (GRCh38, 1-based): chr5:95,506,928, G>A on the plus strand (C>T on the coding strand, the complement: SKIC3 is on the minus strand). VCF-style: chr5-95506928-G-A. GRCh37 (hg19) VCF-style: chr5-94842632-G-A.
Identifiers: ClinVar variation 4700215 (VCV004700215.1).

ClinVar aggregate classification (germline): Uncertain significance (1 of 4 stars; one submission).

gnomAD v4.1: 10 of 1,612,646 alleles (0.00062%); highest among the groups gnomAD compares: South Asian, 0.0033%; no homozygotes.

Submission:

Labcorp Genetics (formerly Invitae), Labcorp
Classification: Uncertain significance. Last evaluated: 2025-09-24. Review status: criteria provided, single submitter. Criteria: Invitae Variant Classification Sherloc (09022015). Collection method: clinical testing. Allele origin: germline.
Comment: This sequence change falls in intron 30 of the TTC37 gene. It does not directly change the encoded amino acid sequence of the TTC37 protein. It affects a nucleotide within the consensus splice site. This variant is present in population databases (rs747048638, gnomAD 0.01%). This variant has not been reported in the literature in individuals affected with TTC37-related conditions. Variants that disrupt the consensus splice site are a relatively common cause of aberrant splicing (PMID: 17576681, 9536098). Algorithms developed to predict the effect of sequence changes on RNA splicing suggest that this variant is not likely to affect RNA splicing. In summary, the available evidence is currently insufficient to determine the role of this variant in disease. Therefore, it has been classified as a Variant of Uncertain Significance.

Literature cited by the submitters: PubMed 17576681; PubMed 9536098.